The following is an entry in ClinVar:

ClinVar aggregate classification (germline): Uncertain significance (1 of 4 stars; one submission).

Conditions:
Peroxisome biogenesis disorder 11A (Zellweger). Also called: Peroxisome biogenesis disorder 11A. Identifiers: Orphanet 912, MedGen C3554000, MONDO:0013949, OMIM 614883.

Allele frequency attached by ClinVar (database versions not stated): gnomAD exomes below 0.00001.

Submission:

Labcorp Genetics (formerly Invitae), Labcorp
Classification: Uncertain significance for Peroxisome biogenesis disorder 11A (Zellweger). Last evaluated: 2025-01-27. Review status: criteria provided, single submitter. Criteria: Invitae Variant Classification Sherloc (09022015). Collection method: clinical testing. Allele origin: germline.
Comment: This sequence change replaces aspartic acid, which is acidic and polar, with valine, which is neutral and non-polar, at codon 163 of the PEX13 protein (p.Asp163Val). This variant is not present in population databases (gnomAD no frequency). This variant has not been reported in the literature in individuals affected with PEX13-related conditions. ClinVar contains an entry for this variant (Variation ID: 1506413). Invitae Evidence Modeling of protein sequence and biophysical properties (such as structural, functional, and spatial information, amino acid conservation, physicochemical variation, residue mobility, and thermodynamic stability) indicates that this missense variant is expected to disrupt PEX13 protein function with a positive predictive value of 80%. In summary, the available evidence is currently insufficient to determine the role of this variant in disease. Therefore, it has been classified as a Variant of Uncertain Significance.

NM_002618.4(PEX13):c.488A>T (p.Asp163Val)

Gene: PEX13 (peroxisomal biogenesis factor 13; plus strand). Cytogenetic location: 2p15.
Variant type: single nucleotide variant.
Coding change: c.488A>T on transcript NM_002618.4 (MANE Select); coding-DNA position 488, A replaced by T.
Protein change: p.Asp163Val; replaces aspartic acid 163 with valine.
Molecular consequence: missense variant.
Genome position (GRCh38, 1-based): chr2:61,031,814, A>T. VCF-style: chr2-61031814-A-T. GRCh37 (hg19) VCF-style: chr2-61258949-A-T.
Other names: short protein forms D163V.
Identifiers: ClinVar variation 1506413 (VCV001506413.6), dbSNP rs2104803479, ClinGen allele CA346943569.